The following is an entry in ClinVar:

ClinVar aggregate classification (germline): Uncertain significance (1 of 4 stars; one submission).

gnomAD v4.1: 14 of 1,614,096 alleles (0.00087%); highest among the groups gnomAD compares: African/African-American, 0.0027%; no homozygotes.

Submission:

GeneDx
Classification: Uncertain significance. Last evaluated: 2026-01-30. Review status: criteria provided, single submitter. Criteria: GeneDx Variant Classification Process June 2021. Collection method: clinical testing. Allele origin: germline.
Comment: In silico analysis supports that this missense variant has a deleterious effect on protein structure/function; Has not been previously published as pathogenic or benign to our knowledge

NM_001429.4(EP300):c.148T>C (p.Ser50Pro)

Gene: EP300 (EP300 lysine acetyltransferase; plus strand). Cytogenetic location: 22q13.2.
Variant type: single nucleotide variant.
Coding change: c.148T>C on transcript NM_001429.4 (MANE Select); coding-DNA position 148, T replaced by C.
Protein change: p.Ser50Pro; replaces serine 50 with proline.
Molecular consequence: missense variant.
Genome position (GRCh38, 1-based): chr22:41,117,240, T>C. VCF-style: chr22-41117240-T-C. GRCh37 (hg19) VCF-style: chr22-41513244-T-C.
Other names: c.148T>C, p.Ser50Pro (NM_001362843.2); short protein forms S50P.
Identifiers: ClinVar variation 4975698 (VCV004975698.1).